The following is an entry in ClinVar:

NM_005359.6(SMAD4):c.634G>A (p.Ala212Thr)

Gene: SMAD4 (SMAD family member 4; plus strand). Cytogenetic location: 18q21.2.
Variant type: single nucleotide variant.
Coding change: c.634G>A on transcript NM_005359.6 (MANE Select); coding-DNA position 634, G replaced by A.
Protein change: p.Ala212Thr; replaces alanine 212 with threonine.
Molecular consequence: missense variant.
Genome position (GRCh38, 1-based): chr18:51,054,960, G>A. VCF-style: chr18-51054960-G-A. GRCh37 (hg19) VCF-style: chr18-48581330-G-A.
Other names: short protein forms A212T.
Identifiers: ClinVar variation 216603 (VCV000216603.9), dbSNP rs863224732, ClinGen allele CA338154.

ClinVar aggregate classification (germline): Conflicting classifications of pathogenicity. Review status: criteria provided, conflicting classifications (1 of 4 stars). 2 submissions from 2 submitters: Uncertain significance (1); Likely benign (1). Last evaluated 2025-05-07.

Conditions:
Hereditary cancer-predisposing syndrome. Also called: Tumor predisposition; Hereditary Cancer Syndrome; Neoplastic Syndromes, Hereditary; Hereditary neoplastic syndrome. Identifiers: Orphanet 140162, MedGen C0027672, MeSH D009386, MONDO:0015356.
Familial thoracic aortic aneurysm and aortic dissection (TAAD). Also called: Thoracic aortic aneurysms and dissections. Identifiers: Orphanet 91387, MedGen C4707243, MONDO:0019625.
Juvenile polyposis syndrome (JPS). Identifiers: Orphanet 2929, MedGen C0345893, MONDO:0017380, OMIM 174900.

Allele frequency attached by ClinVar (database versions not stated): gnomAD exomes below 0.00001; TOPMed below 0.00001.
gnomAD v4.1: 2 of 1,614,060 alleles (0.00012%); highest among the groups gnomAD compares: African/African-American, 0.0013%; no homozygotes.

Submissions (2):

Labcorp Genetics (formerly Invitae), Labcorp
Classification: Uncertain significance for Juvenile polyposis syndrome. Last evaluated: 2025-05-07. Review status: criteria provided, single submitter. Criteria: Invitae Variant Classification Sherloc (09022015). Collection method: clinical testing. Allele origin: germline.
Comment: This sequence change replaces alanine, which is neutral and non-polar, with threonine, which is neutral and polar, at codon 212 of the SMAD4 protein (p.Ala212Thr). This variant is not present in population databases (gnomAD no frequency). This variant has not been reported in the literature in individuals affected with SMAD4-related conditions. ClinVar contains an entry for this variant (Variation ID: 216603). Invitae Evidence Modeling of protein sequence and biophysical properties (such as structural, functional, and spatial information, amino acid conservation, physicochemical variation, residue mobility, and thermodynamic stability) indicates that this missense variant is not expected to disrupt SMAD4 protein function with a negative predictive value of 95%. In summary, the available evidence is currently insufficient to determine the role of this variant in disease. Therefore, it has been classified as a Variant of Uncertain Significance.

Ambry Genetics
Classification: Likely benign for Hereditary cancer-predisposing syndrome; Familial thoracic aortic aneurysm and aortic dissection. Last evaluated: 2023-05-12. Review status: criteria provided, single submitter. Criteria: Ambry Variant Classification Scheme 2023. Collection method: clinical testing. Allele origin: germline.